The following is an entry in ClinVar:

ClinVar aggregate classification (germline): Uncertain significance (1 of 4 stars; one submission).

Submission:

GeneDx
Classification: Uncertain significance. Last evaluated: 2024-03-27. Review status: criteria provided, single submitter. Criteria: GeneDx Variant Classification Process June 2021. Collection method: clinical testing. Allele origin: germline. Affected: yes.
Comment: Not observed at significant frequency in large population cohorts (gnomAD); In silico analysis supports that this missense variant has a deleterious effect on protein structure/function; Has not been previously published as pathogenic or benign to our knowledge

NM_006180.6(NTRK2):c.497A>T (p.Lys166Ile)

Gene: NTRK2 (neurotrophic receptor tyrosine kinase 2; plus strand). Cytogenetic location: 9q21.33.
Variant type: single nucleotide variant.
Coding change: c.497A>T on transcript NM_006180.6 (MANE Select); coding-DNA position 497, A replaced by T.
Protein change: p.Lys166Ile; replaces lysine 166 with isoleucine.
Molecular consequence: missense variant.
Genome position (GRCh38, 1-based): chr9:84,710,705, A>T. VCF-style: chr9-84710705-A-T. GRCh37 (hg19) VCF-style: chr9-87325620-A-T.
Other names: c.497A>T, p.Lys166Ile (NM_001007097.3, NM_001018064.3, NM_001018065.2 and 18 more transcripts); c.29A>T, p.Lys10Ile (NM_001369535.1, NM_001369536.1, NM_001369550.1 and 2 more transcripts); short protein forms K10I, K166I.
Identifiers: ClinVar variation 3371621 (VCV003371621.1).